The following is an entry in ClinVar:

NM_030665.4(RAI1):c.3503T>C (p.Leu1168Pro)

Gene: RAI1 (retinoic acid induced 1; plus strand). Cytogenetic location: 17p11.2.
Variant type: single nucleotide variant.
Coding change: c.3503T>C on transcript NM_030665.4 (MANE Select); coding-DNA position 3503, T replaced by C.
Protein change: p.Leu1168Pro; replaces leucine 1168 with proline.
Molecular consequence: missense variant.
Genome position (GRCh38, 1-based): chr17:17,796,451, T>C. VCF-style: chr17-17796451-T-C. GRCh37 (hg19) VCF-style: chr17-17699765-T-C.
Other names: c.3503T>C (NM_030665.3); short protein forms L1168P.
Identifiers: ClinVar variation 1356867 (VCV001356867.9), dbSNP rs1442303479, ClinGen allele CA398554350.

ClinVar aggregate classification (germline): Conflicting classifications of pathogenicity. Review status: criteria provided, conflicting classifications (1 of 4 stars). 2 submissions from 2 submitters: Uncertain significance (1); Likely benign (1). Last evaluated 2025-08-15.

Conditions:
RAI1-related disorder. Also called: RAI1-related condition.

Allele frequency attached by ClinVar (database versions not stated): TOPMed below 0.00001; gnomAD 0.00001; gnomAD exomes 0.00001.
gnomAD v4.1: 19 of 1,612,410 alleles (0.0012%); highest among the groups gnomAD compares: Non-Finnish European, 0.0015%; no homozygotes.

Submissions (2):

PreventionGenetics, part of Exact Sciences
Classification: Likely benign for RAI1-related condition. Last evaluated: 2025-08-15. Review status: criteria provided, single submitter. Criteria: ACMG Guidelines, 2015. Collection method: clinical testing. Allele origin: germline.
Comment: This variant is classified as likely benign based on ACMG/AMP sequence variant interpretation guidelines (Richards et al. 2015 PMID: 25741868, with internal and published modifications).

Labcorp Genetics (formerly Invitae), Labcorp
Classification: Uncertain significance. Last evaluated: 2022-07-23. Review status: criteria provided, single submitter. Criteria: Invitae Variant Classification Sherloc (09022015). Collection method: clinical testing. Allele origin: germline.
Comment: In summary, the available evidence is currently insufficient to determine the role of this variant in disease. Therefore, it has been classified as a Variant of Uncertain Significance. Algorithms developed to predict the effect of missense changes on protein structure and function (SIFT, PolyPhen-2, Align-GVGD) all suggest that this variant is likely to be disruptive. ClinVar contains an entry for this variant (Variation ID: 1356867). This variant has not been reported in the literature in individuals affected with RAI1-related conditions. This variant is not present in population databases (gnomAD no frequency). This sequence change replaces leucine, which is neutral and non-polar, with proline, which is neutral and non-polar, at codon 1168 of the RAI1 protein (p.Leu1168Pro).